The following is an entry in ClinVar:

NM_020937.4(FANCM):c.1067T>C (p.Ile356Thr)

Gene: FANCM (FA complementation group M; plus strand). Cytogenetic location: 14q21.2.
Variant type: single nucleotide variant.
Coding change: c.1067T>C on transcript NM_020937.4 (MANE Select); coding-DNA position 1067, T replaced by C.
Protein change: p.Ile356Thr; replaces isoleucine 356 with threonine.
Molecular consequence: missense variant.
Genome position (GRCh38, 1-based): chr14:45,153,936, T>C. VCF-style: chr14-45153936-T-C. GRCh37 (hg19) VCF-style: chr14-45623139-T-C.
Other names: c.989T>C, p.Ile330Thr (NM_001308133.2); c.1067T>C, p.Ile356Thr (NM_001308134.2); short protein forms I356T, I330T.
Identifiers: ClinVar variation 4022797 (VCV004022797.1).

ClinVar aggregate classification (germline): Uncertain significance (1 of 4 stars; one submission).

Conditions:
Inborn genetic diseases. Identifiers: MedGen C0950123, MeSH D030342.

gnomAD v4.1: 2 of 1,609,826 alleles (0.00012%); highest among the groups gnomAD compares: Non-Finnish European, 0.00017%; no homozygotes.

Submission:

Ambry Genetics
Classification: Uncertain significance for Inborn genetic diseases. Last evaluated: 2025-05-19. Review status: criteria provided, single submitter. Criteria: Ambry Variant Classification Scheme 2023. Collection method: clinical testing. Allele origin: germline.
Comment: The p.I356T variant (also known as c.1067T>C), located in coding exon 6 of the FANCM gene, results from a T to C substitution at nucleotide position 1067. The isoleucine at codon 356 is replaced by threonine, an amino acid with similar properties. This amino acid position is conserved. In addition, this alteration is predicted to be tolerated by in silico analysis. Based on the available evidence, the clinical significance of this variant remains unclear.